The following is an entry in ClinVar:

ClinVar aggregate classification (germline): Pathogenic (1 of 4 stars; one submission).

Conditions:
Timothy syndrome (TS). Also called: LONG QT SYNDROME WITH SYNDACTYLY. Identifiers: Orphanet 65283, MedGen C1832916, MeSH C536962, MONDO:0010979, OMIM 601005.

Submission:

Greenwood Genetic Center Diagnostic Laboratories, Greenwood Genetic Center
Classification: Pathogenic for Timothy syndrome. Last evaluated: 2023-09-28. Review status: criteria provided, single submitter. Criteria: ACMG Guidelines, 2015. Collection method: clinical testing. Allele origin: germline. Affected: yes.
Comment: PVS1, PS2, PM2

NM_000719.7(CACNA1C):c.5884C>T (p.Arg1962Ter)

Genes: CACNA1C (calcium voltage-gated channel subunit alpha1 C; plus strand), CACNA1C-AS1 (CACNA1C antisense RNA 1; minus strand). Cytogenetic location: 12p13.33.
Variant type: single nucleotide variant.
Coding change: c.5884C>T on transcript NM_000719.7 (MANE Select); coding-DNA position 5884, C replaced by T.
Protein change: p.Arg1962Ter; replaces arginine 1962 with a stop codon.
Molecular consequence: nonsense.
Genome position (GRCh38, 1-based): chr12:2,688,546, C>T. VCF-style: chr12-2688546-C-T. GRCh37 (hg19) VCF-style: chr12-2797712-C-T.
Other names: c.6028C>T, p.Arg2010Ter (NM_001129827.2); c.6007C>T, p.Arg2003Ter (NM_001129829.2); c.5989C>T, p.Arg1997Ter (NM_001129830.3, NM_001167624.3); c.5968C>T, p.Arg1990Ter (NM_001129831.2); c.5944C>T, p.Arg1982Ter (NM_001129832.2); c.5941C>T, p.Arg1981Ter (NM_001129833.2, NM_001129834.2, NM_001129835.2); c.5935C>T, p.Arg1979Ter (NM_001129836.2); c.5908C>T, p.Arg1970Ter (NM_001129837.2, NM_001129838.2); and 6 more; short protein forms R1951*, R1959*, R1962*, R1968*, R1970*, R1979*, R1981*, R1982*.
Identifiers: ClinVar variation 2626971 (VCV002626971.1), dbSNP rs1556307608, ClinGen allele CA383384323.